The following is an entry in ClinVar:

NM_016589.4(TIMMDC1):c.11C>A (p.Pro4Gln)

Gene: TIMMDC1 (translocase of inner mitochondrial membrane domain containing 1; plus strand). Cytogenetic location: 3q13.33.
Variant type: single nucleotide variant.
Coding change: c.11C>A on transcript NM_016589.4 (MANE Select); coding-DNA position 11, C replaced by A.
Protein change: p.Pro4Gln; replaces proline 4 with glutamine.
Molecular consequence: missense variant.
Genome position (GRCh38, 1-based): chr3:119,498,744, C>A. VCF-style: chr3-119498744-C-A. GRCh37 (hg19) VCF-style: chr3-119217591-C-A.
Other names: short protein forms P4Q.
Identifiers: ClinVar variation 2015381 (VCV002015381.4), dbSNP rs2081843286, ClinGen allele CA354052800.

ClinVar aggregate classification (germline): Uncertain significance (1 of 4 stars; one submission).

Submission:

Labcorp Genetics (formerly Invitae), Labcorp
Classification: Uncertain significance. Last evaluated: 2022-07-12. Review status: criteria provided, single submitter. Criteria: Invitae Variant Classification Sherloc (09022015). Collection method: clinical testing. Allele origin: germline.
Comment: In summary, the available evidence is currently insufficient to determine the role of this variant in disease. Therefore, it has been classified as a Variant of Uncertain Significance. Algorithms developed to predict the effect of missense changes on protein structure and function are either unavailable or do not agree on the potential impact of this missense change (SIFT: "Tolerated"; PolyPhen-2: "Possibly Damaging"; Align-GVGD: "Class C0"). This sequence change replaces proline, which is neutral and non-polar, with glutamine, which is neutral and polar, at codon 4 of the TIMMDC1 protein (p.Pro4Gln). This variant is not present in population databases (gnomAD no frequency). This variant has not been reported in the literature in individuals affected with TIMMDC1-related conditions.